The following is an entry in ClinVar:

NM_014712.3(SETD1A):c.1038G>A (p.Ser346=)

Gene: SETD1A (SET domain containing 1A, histone lysine methyltransferase; plus strand). Cytogenetic location: 16p11.2.
Variant type: single nucleotide variant.
Coding change: c.1038G>A on transcript NM_014712.3 (MANE Select); coding-DNA position 1038, G replaced by A.
Protein change: p.Ser346=; no amino-acid change (serine 346 retained).
Molecular consequence: synonymous variant.
Genome position (GRCh38, 1-based): chr16:30,964,780, G>A. VCF-style: chr16-30964780-G-A. GRCh37 (hg19) VCF-style: chr16-30976101-G-A.
Identifiers: ClinVar variation 2646425 (VCV002646425.24), dbSNP rs146416377, ClinGen allele CA8016582.

ClinVar aggregate classification (germline): Likely benign (1 of 4 stars; one submission).

Allele frequency attached by ClinVar (database versions not stated): 1000 Genomes Project 0.00180; TOPMed 0.00196; 1000 Genomes Project 30x 0.00219; ESP Exome Variant Server 0.00292; ExAC 0.00336; gnomAD 0.00399.
gnomAD v4.1: 5,741 of 1,614,060 alleles (0.36%); highest among the groups gnomAD compares: Non-Finnish European, 0.35%; 22 homozygotes.

Submission:

CeGaT Center for Human Genetics Tuebingen
Classification: Likely benign. Last evaluated: 2026-04-01. Review status: criteria provided, single submitter. Criteria: CeGaT Center For Human Genetics Tuebingen Variant Classification Criteria Version 2. Collection method: clinical testing. Allele origin: germline. Affected: yes. Observed: 20 variant alleles.
Comment: SETD1A: BP4, BP7, BS1